The following is an entry in ClinVar:

ClinVar aggregate classification (germline): Uncertain significance (1 of 4 stars; one submission).

Conditions:
Perlman syndrome (PRLMNS). Identifiers: Orphanet 2849, MedGen C0796113, MONDO:0009965, OMIM 267000.

Submission:

Labcorp Genetics (formerly Invitae), Labcorp
Classification: Uncertain significance for Perlman syndrome. Last evaluated: 2022-09-24. Review status: criteria provided, single submitter. Criteria: Invitae Variant Classification Sherloc (09022015). Collection method: clinical testing. Allele origin: germline.
Comment: Algorithms developed to predict the effect of sequence changes on RNA splicing suggest that this variant may create or strengthen a splice site. In summary, the available evidence is currently insufficient to determine the role of this variant in disease. Therefore, it has been classified as a Variant of Uncertain Significance. Advanced modeling of protein sequence and biophysical properties (such as structural, functional, and spatial information, amino acid conservation, physicochemical variation, residue mobility, and thermodynamic stability) performed at Invitae indicates that this missense variant is not expected to disrupt DIS3L2 protein function. This variant has not been reported in the literature in individuals affected with DIS3L2-related conditions. This variant is not present in population databases (gnomAD no frequency). This sequence change replaces serine, which is neutral and polar, with arginine, which is basic and polar, at codon 635 of the DIS3L2 protein (p.Ser635Arg).

NM_152383.5(DIS3L2):c.1905C>G (p.Ser635Arg)

Gene: DIS3L2 (DIS3 like 3'-5' exoribonuclease 2; plus strand). Cytogenetic location: 2q37.1.
Variant type: single nucleotide variant.
Coding change: c.1905C>G on transcript NM_152383.5 (MANE Select); coding-DNA position 1905, C replaced by G.
Protein change: p.Ser635Arg; replaces serine 635 with arginine.
Molecular consequence: missense variant. On other transcripts: non-coding transcript variant (2), intron variant (1).
Genome position (GRCh38, 1-based): chr2:232,329,978, C>G. VCF-style: chr2-232329978-C-G. GRCh37 (hg19) VCF-style: chr2-233194688-C-G.
Other names: c.1582-13367C>G (NM_001257281.2); short protein forms S635R.
Identifiers: ClinVar variation 2419674 (VCV002419674.6), dbSNP rs2469434633, ClinGen allele CA350976275.